The following is an entry in ClinVar:

NM_001605.3(AARS1):c.23G>A (p.Ser8Asn)

Gene: AARS1 (alanyl-tRNA synthetase 1; minus strand). Cytogenetic location: 16q22.1.
Variant type: single nucleotide variant.
Coding change: c.23G>A on transcript NM_001605.3 (MANE Select); coding-DNA position 23, G replaced by A.
Protein change: p.Ser8Asn; replaces serine 8 with asparagine.
Molecular consequence: missense variant.
Genome position (GRCh38, 1-based): chr16:70,282,741, C>T on the plus strand (G>A on the coding strand, the complement: AARS1 is on the minus strand). VCF-style: chr16-70282741-C-T. GRCh37 (hg19) VCF-style: chr16-70316644-C-T.
Other names: short protein forms S8N.
Identifiers: ClinVar variation 2014414 (VCV002014414.4), dbSNP rs750712694, ClinGen allele CA396570726.

ClinVar aggregate classification (germline): Uncertain significance (1 of 4 stars; one submission).

Conditions:
Charcot-Marie-Tooth disease type 2. Also called: Charcot-Marie-Tooth type 2. Identifiers: Orphanet 64746, MedGen C0270914, MONDO:0018993.

Submission:

Labcorp Genetics (formerly Invitae), Labcorp
Classification: Uncertain significance for Charcot-Marie-Tooth disease type 2. Last evaluated: 2022-09-14. Review status: criteria provided, single submitter. Criteria: Invitae Variant Classification Sherloc (09022015). Collection method: clinical testing. Allele origin: germline.
Comment: This sequence change replaces serine, which is neutral and polar, with asparagine, which is neutral and polar, at codon 8 of the AARS protein (p.Ser8Asn). This variant is not present in population databases (gnomAD no frequency). This variant has not been reported in the literature in individuals affected with AARS-related conditions. Advanced modeling of protein sequence and biophysical properties (such as structural, functional, and spatial information, amino acid conservation, physicochemical variation, residue mobility, and thermodynamic stability) performed at Invitae indicates that this missense variant is not expected to disrupt AARS protein function. In summary, the available evidence is currently insufficient to determine the role of this variant in disease. Therefore, it has been classified as a Variant of Uncertain Significance.